The following is an entry in ClinVar:

NM_000059.4(BRCA2):c.3355G>C (p.Glu1119Gln)

Gene: BRCA2 (BRCA2 DNA repair associated; plus strand). Cytogenetic location: 13q13.1.
Variant type: single nucleotide variant.
Coding change: c.3355G>C on transcript NM_000059.4 (MANE Select); coding-DNA position 3355, G replaced by C.
Protein change: p.Glu1119Gln; replaces glutamic acid 1119 with glutamine.
Molecular consequence: missense variant.
Genome position (GRCh38, 1-based): chr13:32,337,710, G>C. VCF-style: chr13-32337710-G-C. GRCh37 (hg19) VCF-style: chr13-32911847-G-C.
Other names: short protein forms E1119Q.
Identifiers: ClinVar variation 659637 (VCV000659637.10), dbSNP rs1593899314, ClinGen allele CA387776360.

ClinVar aggregate classification (germline): Conflicting classifications of pathogenicity. Review status: criteria provided, conflicting classifications (1 of 4 stars). 2 submissions from 2 submitters: Uncertain significance (1); Likely benign (1). Last evaluated 2023-03-23.

Conditions:
Hereditary cancer-predisposing syndrome. Also called: Hereditary neoplastic syndrome; Neoplastic Syndromes, Hereditary; Hereditary Cancer Syndrome; Tumor predisposition. Identifiers: Orphanet 140162, MedGen C0027672, MeSH D009386, MONDO:0015356.
Hereditary breast ovarian cancer syndrome. Also called: BRCA1- and BRCA2-Associated Hereditary Breast and Ovarian Cancer; Hereditary breast and ovarian cancer syndrome; Hereditary breast and ovarian cancer syndrome (HBOC); Hereditary breast and/or ovarian cancer syndrome; Breast and ovarian cancer; Hereditary breast and ovarian cancer. Identifiers: Orphanet 145, MedGen C0677776, MeSH D061325, MONDO:0003582. Disease mechanism: loss of function.

Submissions (2):

University of Washington Department of Laboratory Medicine, University of Washington
Classification: Likely benign for Hereditary cancer-predisposing syndrome. Last evaluated: 2023-03-23. Review status: criteria provided, single submitter. Criteria: Dines et al. (Genet Med. 2020). Collection method: curation. Allele origin: germline.
Comment: Missense variant in a coldspot region where missense variants are very unlikely to be pathogenic (PMID:31911673).

BRCA2 exon 11 coldspot. Reclassification based on statistical prior probability.

Labcorp Genetics (formerly Invitae), Labcorp
Classification: Uncertain significance for Hereditary breast ovarian cancer syndrome. Last evaluated: 2018-11-29. Review status: criteria provided, single submitter. Criteria: Invitae Variant Classification Sherloc (09022015). Collection method: clinical testing. Allele origin: germline.
Comment: In summary, the available evidence is currently insufficient to determine the role of this variant in disease. Therefore, it has been classified as a Variant of Uncertain Significance. Algorithms developed to predict the effect of missense changes on protein structure and function (SIFT, PolyPhen-2, Align-GVGD) all suggest that this variant is likely to be disruptive, but these predictions have not been confirmed by published functional studies and their clinical significance is uncertain. This variant has not been reported in the literature in individuals with BRCA2-related conditions. This variant is not present in population databases (ExAC no frequency). This sequence change replaces glutamic acid with glutamine at codon 1119 of the BRCA2 protein (p.Glu1119Gln). The glutamic acid residue is highly conserved and there is a small physicochemical difference between glutamic acid and glutamine.